The following is an entry in ClinVar:

NM_019844.4(SLCO1B3):c.446_448del (p.Ser149del)

Genes: SLCO1B3 (solute carrier organic anion transporter family member 1B3; plus strand), SLCO1B3-SLCO1B7 (SLCO1B3-SLCO1B7 readthrough; plus strand). Cytogenetic location: 12p12.2.
Variant type: Deletion.
Coding change: c.446_448del on transcript NM_019844.4 (MANE Select); coding-DNA positions 446 to 448, 3 bases deleted (CAT; older notation c.446_448delCAT).
Protein change: p.Ser149del; deletes serine 149.
Molecular consequence: inframe deletion.
Genome position (GRCh38, 1-based): chr12:20,861,103-20,861,105, CAT deleted; deleting any 3 consecutive bases within chr12:20,861,101-20,861,105 gives the same sequence; the c. name uses the placement nearest the transcript's 3' end. VCF-style (leftmost placement, unchanged base first): chr12-20861100-TATC-T. GRCh37 (hg19) VCF-style: chr12-21014034-TATC-T.
Other names: c.446_448del, p.Ser149del (NM_001371097.1); c.362_364del, p.Ser121del (NM_001349920.2); c.446_448delCAT (NM_019844.3); short protein forms S121del, S149del.
Identifiers: ClinVar variation 2436106 (VCV002436106.5), dbSNP rs776456205, ClinGen allele CA6475175.
Genomic context (GRCh38, chr12:20,861,100, plus strand): 5'-ATATTAATCCATCAGAAAATTCAACATCAAGTTTATCAACCTGTTTAATTAATCAAACCT[TATC>T]ATTCAATGGAACATCACCTGAGATAGTAGAAAAAGGTAAGAATTAATAGTGACAGTAAAA-3'

ClinVar aggregate classification (germline): Uncertain significance. Review status: criteria provided, multiple submitters, no conflicts (2 of 4 stars). 2 submissions from 2 submitters: Uncertain significance (2). Last evaluated 2026-04-14.

Conditions:
Rotor syndrome (HBLRR). Also called: HYPERBILIRUBINEMIA, ROTOR TYPE, DIGENIC; HYPERBILIRUBINEMIA, ROTOR TYPE. Identifiers: Orphanet 3111, MedGen C0220991, MONDO:0009379, OMIM 237450.
SLCO1B3-related disorder. Also called: SLCO1B3-related condition.

Submissions (2):

PreventionGenetics, part of Exact Sciences
Classification: Uncertain significance for SLCO1B3-related condition. Last evaluated: 2026-04-14. Review status: criteria provided, single submitter. Criteria: ACMG Guidelines, 2015. Collection method: clinical testing. Allele origin: germline.
Comment: The SLCO1B3 c.446_448delCAT variant is predicted to result in an in-frame deletion (p.Ser149del). To our knowledge, this variant has not been reported in the literature. This variant is reported in 0.047% of alleles in individuals of European (non-Finnish) descent in gnomAD. However, in gnomAD v4 (available only on GRCh38), this variant is reported in 0.077% of alleles in an European (non-Finnish) subpopulation, including one homozygote. This population data is not consistent with this variant being a primary cause of disease. Although we suspect this variant is benign, at this time, the clinical significance of this variant is uncertain due to the absence of conclusive functional and genetic evidence.

Revvity Omics, Revvity
Classification: Uncertain significance for Rotor syndrome. Last evaluated: 2023-02-16. Review status: criteria provided, single submitter. Criteria: ACMG Guidelines, 2015. Collection method: clinical testing. Allele origin: germline.